The following is an entry in ClinVar:

NM_001903.5(CTNNA1):c.420T>G (p.Ile140Met)

Gene: CTNNA1 (catenin alpha 1; plus strand). Cytogenetic location: 5q31.2.
Variant type: single nucleotide variant.
Coding change: c.420T>G on transcript NM_001903.5 (MANE Select); coding-DNA position 420, T replaced by G.
Protein change: p.Ile140Met; replaces isoleucine 140 with methionine.
Molecular consequence: missense variant.
Genome position (GRCh38, 1-based): chr5:138,810,156, T>G. VCF-style: chr5-138810156-T-G. GRCh37 (hg19) VCF-style: chr5-138145845-T-G.
Other names: c.420T>G, p.Ile140Met (NM_001290307.3, NM_001323982.2, NM_001323983.1 and 3 more transcripts); c.111T>G, p.Ile37Met (NM_001290309.3); c.51T>G, p.Ile17Met (NM_001290310.3); c.420T>G (NM_001903.2); short protein forms I140M, I17M, I37M.
Identifiers: ClinVar variation 944052 (VCV000944052.10), dbSNP rs1758527722, ClinGen allele CA361123383.

ClinVar aggregate classification (germline): Uncertain significance. Review status: criteria provided, multiple submitters, no conflicts (2 of 4 stars). 2 submissions from 2 submitters: Uncertain significance (2). Last evaluated 2024-08-06.

Conditions:
Hereditary cancer-predisposing syndrome. Also called: Neoplastic Syndromes, Hereditary; Hereditary Cancer Syndrome; Tumor predisposition; Hereditary neoplastic syndrome. Identifiers: Orphanet 140162, MedGen C0027672, MeSH D009386, MONDO:0015356.

Submissions (2):

Ambry Genetics
Classification: Uncertain significance for Hereditary cancer-predisposing syndrome. Last evaluated: 2024-08-06. Review status: criteria provided, single submitter. Criteria: Ambry Variant Classification Scheme 2023. Collection method: clinical testing. Allele origin: germline.
Comment: The p.I140M variant (also known as c.420T>G), located in coding exon 3 of the CTNNA1 gene, results from a T to G substitution at nucleotide position 420. The isoleucine at codon 140 is replaced by methionine, an amino acid with highly similar properties. This amino acid position is well conserved in available vertebrate species. In addition, this alteration is predicted to be tolerated by in silico analysis. The evidence for this gene-disease relationship is limited; therefore, the clinical significance of this alteration is unclear.

Labcorp Genetics (formerly Invitae), Labcorp
Classification: Uncertain significance. Last evaluated: 2024-07-03. Review status: criteria provided, single submitter. Criteria: Invitae Variant Classification Sherloc (09022015). Collection method: clinical testing. Allele origin: germline.
Comment: This sequence change replaces isoleucine, which is neutral and non-polar, with methionine, which is neutral and non-polar, at codon 140 of the CTNNA1 protein (p.Ile140Met). This variant is not present in population databases (gnomAD no frequency). This variant has not been reported in the literature in individuals affected with CTNNA1-related conditions. ClinVar contains an entry for this variant (Variation ID: 944052). Advanced modeling of protein sequence and biophysical properties (such as structural, functional, and spatial information, amino acid conservation, physicochemical variation, residue mobility, and thermodynamic stability) performed at Invitae indicates that this missense variant is not expected to disrupt CTNNA1 protein function with a negative predictive value of 80%. In summary, the available evidence is currently insufficient to determine the role of this variant in disease. Therefore, it has been classified as a Variant of Uncertain Significance.